The following is an entry in ClinVar:

ClinVar aggregate classification (germline): Pathogenic. Review status: reviewed by expert panel (3 of 4 stars). 3 submissions from 3 submitters: Pathogenic (1). 2 of the submissions do not count toward it. Last evaluated 2016-09-08.

Conditions:
Breast-ovarian cancer, familial, susceptibility to, 1 (BROVCA1). Also called: OVARIAN CANCER, SUSCEPTIBILITY TO; BRCA1 Hereditary Breast and Ovarian Cancer. Identifiers: Orphanet 145, MedGen C2676676, MONDO:0011450, OMIM 604370. Disease mechanism: loss of function.

Submissions (3):

Evidence-based Network for the Interpretation of Germline Mutant Alleles (ENIGMA)
Classification: Pathogenic for Breast-ovarian cancer, familial, susceptibility to, 1. Last evaluated: 2016-09-08. Review status: reviewed by expert panel. Criteria: ENIGMA BRCA1/2 Classification Criteria (2015). Collection method: curation. Allele origin: germline.
Comment: Variant allele predicted to encode a truncated non-functional protein.

Consortium of Investigators of Modifiers of BRCA1/2 (CIMBA), c/o University of Cambridge
Classification: Pathogenic for Breast-ovarian cancer, familial, susceptibility to, 1. Last evaluated: 2015-10-02. Review status: criteria provided, single submitter. Criteria: CIMBA Mutation Classification guidelines May 2016. Collection method: clinical testing. Allele origin: germline. Not counted in ClinVar's aggregate classification.

Breast Cancer Information Core (BIC) (BRCA1)
Classification: Pathogenic for Breast-ovarian cancer, familial 1. Last evaluated: 2003-12-23. Review status: no assertion criteria provided. Collection method: clinical testing. Allele origin: germline. Affected: yes. Observed: 1 variant allele. Not counted in ClinVar's aggregate classification.

NM_007294.4(BRCA1):c.2709del (p.Cys903fs)

Gene: BRCA1 (BRCA1 DNA repair associated; minus strand). Cytogenetic location: 17q21.31.
Variant type: Deletion.
Coding change: c.2709del on transcript NM_007294.4 (MANE Select); coding-DNA position 2709, one base deleted (T; older notation c.2709delT).
Protein change: p.Cys903fs; shifts the reading frame from cysteine 903.
Molecular consequence: frameshift variant. On other transcripts: intron variant (137).
Genome position (GRCh38, 1-based): chr17:43,092,822, A deleted on the plus strand (T on the coding strand, the reverse complement: BRCA1 is on the minus strand). VCF-style (leftmost placement, unchanged base first): chr17-43092821-CA-C. GRCh37 (hg19) VCF-style: chr17-41244838-CA-C.
Other names: 2828delT; c.2586del, p.Cys862fs (NM_001407666.1, NM_001407667.1, NM_001407668.1 and 19 more transcripts); c.2583del, p.Cys861fs (NM_001407670.1, NM_001407671.1, NM_001407672.1 and 11 more transcripts); c.2709del, p.Cys903fs (NM_001407684.1, NM_001407854.1, NM_001407858.1 and 30 more transcripts); c.2568del, p.Cys856fs (NM_001407692.1, NM_001407694.1, NM_001407695.1 and 29 more transcripts); c.2565del, p.Cys855fs (NM_001407740.1, NM_001407741.1, NM_001407742.1 and 20 more transcripts); c.2496del, p.Cys832fs (NM_001407853.1, NM_001407894.1, NM_001407895.1 and 9 more transcripts); c.2706del, p.Cys902fs (NM_001407860.1, NM_001407861.1, NM_001407587.1 and 22 more transcripts); and 42 more; short protein forms C903fs, C856fs, C792fs, C833fs, C862fs, C607fs, C776fs, C832fs.
Identifiers: ClinVar variation 54654 (VCV000054654.4), dbSNP rs80357594, ClinGen allele CA001784.